The following is an entry in ClinVar:

ClinVar aggregate classification (germline): Conflicting classifications of pathogenicity. Review status: criteria provided, conflicting classifications (1 of 4 stars). 2 submissions from 2 submitters: Likely pathogenic (1); Uncertain significance (1). Last evaluated 2024-04-11.

Conditions:
Autosomal recessive congenital ichthyosis 1 (LI1). Also called: ICHTHYOSIS CONGENITA; ICHTHYOSIS CONGENITA II; LAMELLAR EXFOLIATION OF NEWBORN; ICHTHYOSIS, CONGENITAL, AUTOSOMAL RECESSIVE 1, WITH BATHING SUIT DISTRIBUTION; ICHTHYOSIS, CONGENITAL, AUTOSOMAL RECESSIVE 1, WITH OR WITHOUT BATHING SUIT DISTRIBUTION; COLLODION FETUS. Identifiers: MedGen C4551630, MONDO:0009441, OMIM 242300.

Submissions (2):

Fulgent Genetics
Classification: Likely pathogenic for Autosomal recessive congenital ichthyosis 1. Last evaluated: 2024-04-11. Review status: criteria provided, single submitter. Criteria: ACMG Guidelines, 2015. Collection method: clinical testing. Allele origin: germline.

Women's Health and Genetics/Laboratory Corporation of America, LabCorp
Classification: Uncertain significance. Last evaluated: 2024-04-08. Review status: criteria provided, single submitter. Criteria: LabCorp Variant Classification Summary - May 2015. Collection method: clinical testing. Allele origin: germline.
Comment: Variant summary: TGM1 c.1485T>G (p.Phe495Leu) results in a non-conservative amino acid change in the encoded protein sequence. Four of five in-silico tools predict a damaging effect of the variant on protein function. The variant was absent in 174660 control chromosomes (gnomAD). c.1485T>G has been reported in the literature in individuals affected with Lamellar Ichthyosis (Chiramel_2022). These data indicate that the variant may be associated with disease. To our knowledge, no experimental evidence demonstrating an impact on protein function has been reported. The following publication has been ascertained in the context of this evaluation (PMID: 35412663). No submitters have cited clinical-significance assessments for this variant to ClinVar. Based on the evidence outlined above, the variant was classified as VUS-possibly pathogenic.

Literature cited by the submitters: PubMed 35412663 (cited by Women's Health and Genetics/Laboratory Corporation of America, LabCorp).

NM_000359.3(TGM1):c.1485T>G (p.Phe495Leu)

Gene: TGM1 (transglutaminase 1; minus strand). Cytogenetic location: 14q12.
Variant type: single nucleotide variant.
Coding change: c.1485T>G on transcript NM_000359.3 (MANE Select); coding-DNA position 1485, T replaced by G.
Protein change: p.Phe495Leu; replaces phenylalanine 495 with leucine.
Molecular consequence: missense variant.
Genome position (GRCh38, 1-based): chr14:24,255,995, A>C on the plus strand (T>G on the coding strand, the complement: TGM1 is on the minus strand). VCF-style: chr14-24255995-A-C. GRCh37 (hg19) VCF-style: chr14-24725201-A-C.
Other names: short protein forms F495L.
Identifiers: ClinVar variation 3251466 (VCV003251466.2), dbSNP rs2502496232.